The following is an entry in ClinVar:

NM_021074.5(NDUFV2):c.392A>T (p.His131Leu)

Genes: NDUFV2-AS1 (NDUFV2 antisense RNA 1; minus strand), NDUFV2 (NADH:ubiquinone oxidoreductase core subunit V2; plus strand). Cytogenetic location: 18p11.22.
Variant type: single nucleotide variant.
Coding change: c.392A>T on transcript NM_021074.5 (MANE Select); coding-DNA position 392, A replaced by T.
Protein change: p.His131Leu; replaces histidine 131 with leucine.
Molecular consequence: missense variant.
Genome position (GRCh38, 1-based): chr18:9,122,604, A>T. VCF-style: chr18-9122604-A-T. GRCh37 (hg19) VCF-style: chr18-9122602-A-T.
Other names: short protein forms H131L.
Identifiers: ClinVar variation 3767838 (VCV003767838.1).

ClinVar aggregate classification (germline): Uncertain significance (1 of 4 stars; one submission).

gnomAD v4.1: 20 of 1,614,044 alleles (0.0012%); highest among the groups gnomAD compares: Non-Finnish European, 0.0015%; no homozygotes.

Submission:

GeneDx
Classification: Uncertain significance. Last evaluated: 2024-09-05. Review status: criteria provided, single submitter. Criteria: GeneDx Variant Classification Process June 2021. Collection method: clinical testing. Allele origin: germline. Affected: yes.
Comment: Not observed at significant frequency in large population cohorts (gnomAD); In silico analysis supports that this missense variant has a deleterious effect on protein structure/function; Has not been previously published as pathogenic or benign to our knowledge